The following is an entry in ClinVar:

ClinVar aggregate classification (germline): Pathogenic. Review status: criteria provided, multiple submitters, no conflicts (2 of 4 stars). 2 submissions from 2 submitters: Pathogenic (2). Last evaluated 2025-01-06.

Conditions:
Hereditary cancer-predisposing syndrome. Also called: Hereditary neoplastic syndrome; Tumor predisposition; Neoplastic Syndromes, Hereditary; Hereditary Cancer Syndrome. Identifiers: Orphanet 140162, MedGen C0027672, MeSH D009386, MONDO:0015356.
Multiple endocrine neoplasia, type 1 (MEN1). Also called: MEN I; Endocrine adenomatosis multiple; MEN 1; WERMER SYNDROME; MEA I. Identifiers: Orphanet 652, MedGen C0025267, MeSH D018761, MONDO:0007540, OMIM 131100.

Submissions (2):

Labcorp Genetics (formerly Invitae), Labcorp
Classification: Pathogenic for Multiple endocrine neoplasia, type 1. Last evaluated: 2025-01-06. Review status: criteria provided, single submitter. Criteria: Invitae Variant Classification Sherloc (09022015). Collection method: clinical testing. Allele origin: germline.
Comment: This sequence change creates a premature translational stop signal (p.Glu336Cysfs*34) in the MEN1 gene. It is expected to result in an absent or disrupted protein product. Loss-of-function variants in MEN1 are known to be pathogenic (PMID: 12112656, 17853334). This variant is not present in population databases (gnomAD no frequency). This variant has not been reported in the literature in individuals affected with MEN1-related conditions. ClinVar contains an entry for this variant (Variation ID: 428019). Algorithms developed to predict the effect of sequence changes on RNA splicing suggest that this variant may disrupt the consensus splice site. For these reasons, this variant has been classified as Pathogenic.

Ambry Genetics
Classification: Pathogenic for Hereditary cancer-predisposing syndrome. Last evaluated: 2014-07-02. Review status: criteria provided, single submitter. Criteria: Ambry Variant Classification Scheme 2023. Collection method: clinical testing. Allele origin: germline.
Comment: The c.1001_1005dupTGCGG pathogenic mutation, located in coding exon 6 of the MEN1 gene, results from a duplication of 5 nucleotides at position 1001 causing a translational frameshift with a predicted alternate stop codon. Since frameshifts are typically deleterious in nature, this alteration is interpreted as a disease-causing mutation (ACMG Recommendations for Standards for Interpretation and Reporting of Sequence Variations. Revision 2007. Genet Med 2008;10:294).

Literature cited by the submitters: PubMed 12112656 (cited by Labcorp Genetics (formerly Invitae), Labcorp); PubMed 17853334 (cited by Labcorp Genetics (formerly Invitae), Labcorp).

NM_001370259.2(MEN1):c.1001_1005dup (p.Glu336fs)

Gene: MEN1 (menin 1; minus strand). Cytogenetic location: 11q13.1.
Variant type: Duplication.
Coding change: c.1001_1005dup on transcript NM_001370259.2 (MANE Select); coding-DNA positions 1001 to 1005, 5 bases duplicated (TGCGG; older notation c.1001_1005dupTGCGG).
Protein change: p.Glu336fs; shifts the reading frame from glutamic acid 336.
Molecular consequence: frameshift variant.
Genome position (GRCh38, 1-based): chr11:64,806,276-64,806,280, CCGCA duplicated on the plus strand (TGCGG on the coding strand, the reverse complement: MEN1 is on the minus strand); duplicating any 5 consecutive bases within chr11:64,806,276-64,806,281 gives the same sequence; the c. name uses the placement nearest the transcript's 3' end. VCF-style (leftmost placement, unchanged base first): chr11-64806275-C-CCCGCA. GRCh37 (hg19) VCF-style: chr11-64573747-C-CCCGCA.
Other names: c.1001_1005dupTGCGG (NM_130799.2); c.1016_1020dup, p.Glu341fs (NM_000244.4, NM_130800.3, NM_130801.3 and 3 more transcripts); c.1001_1005dup, p.Glu336fs (NM_001370251.2, NM_001370260.2, NM_001370261.2 and 1 more transcripts); c.896_900dup, p.Glu301fs (NM_001370262.2, NM_001370263.2); short protein forms E336fs, E341fs, E301fs.
Identifiers: ClinVar variation 428019 (VCV000428019.8), dbSNP rs1114167483, ClinGen allele CA645369578.